The following is an entry in ClinVar:

ClinVar aggregate classification (germline): Uncertain significance (1 of 4 stars; one submission).

Submission:

Ambry Genetics
Classification: Uncertain significance. Last evaluated: 2025-10-10. Review status: criteria provided, single submitter. Criteria: Ambry Variant Classification Scheme 2023. Collection method: clinical testing. Allele origin: germline.
Comment: The p.V630A variant (also known as c.1889T>C), located in coding exon 11 of the PALLD gene, results from a T to C substitution at nucleotide position 1889. The valine at codon 630 is replaced by alanine, an amino acid with similar properties. This amino acid position is conserved. In addition, the in silico prediction for this alteration is inconclusive. Based on the available evidence, the clinical significance of this variant remains unclear.

NM_001166108.2(PALLD):c.*75T>C

Genes: CBR4 (carbonyl reductase 4; minus strand), PALLD (palladin, cytoskeletal associated protein; plus strand). Cytogenetic location: 4q32.3.
Variant type: single nucleotide variant.
Coding change: c.*75T>C on transcript NM_001166108.2 (MANE Select); 75 bases downstream of the stop codon, T replaced by C.
Molecular consequence: 3 prime UTR variant. On other transcripts: missense variant (4).
Genome position (GRCh38, 1-based): chr4:168,926,255, T>C. VCF-style: chr4-168926255-T-C. GRCh37 (hg19) VCF-style: chr4-169847406-T-C.
Other names: c.1889T>C, p.Val630Ala (NM_001166110.2); c.*75T>C (NM_001367567.1, NM_001367570.1, NM_016081.4); c.1280T>C, p.Val427Ala (NM_001367568.1); c.1229T>C, p.Val410Ala (NM_001367569.1); c.2204T>C, p.Val735Ala (NM_001166109.2); short protein forms V630A, V427A, V410A, V735A.
Identifiers: ClinVar variation 4564158 (VCV004564158.1).